The following is an entry in ClinVar:

NM_000038.6(APC):c.2786A>G (p.His929Arg)

Gene: APC (APC regulator of Wnt signaling pathway; plus strand). Cytogenetic location: 5q22.2.
Variant type: single nucleotide variant.
Coding change: c.2786A>G on transcript NM_000038.6 (MANE Select); coding-DNA position 2786, A replaced by G.
Protein change: p.His929Arg; replaces histidine 929 with arginine.
Molecular consequence: missense variant.
Genome position (GRCh38, 1-based): chr5:112,838,380, A>G. VCF-style: chr5-112838380-A-G. GRCh37 (hg19) VCF-style: chr5-112174077-A-G.
Other names: c.2786A>G, p.His929Arg (NM_001127510.3, NM_001354895.2); c.2732A>G, p.His911Arg (NM_001127511.3); c.2840A>G, p.His947Arg (NM_001354896.2); c.2816A>G, p.His939Arg (NM_001354897.2); c.2711A>G, p.His904Arg (NM_001354898.2); c.2702A>G, p.His901Arg (NM_001354899.2); c.2663A>G, p.His888Arg (NM_001354900.2); c.2609A>G, p.His870Arg (NM_001354901.2); and 5 more; short protein forms H911R, H929R, H769R, H803R, H870R, H888R, H901R, H828R.
Identifiers: ClinVar variation 489429 (VCV000489429.19), dbSNP rs730881242, ClinGen allele CA16027406.

ClinVar aggregate classification (germline): Uncertain significance. Review status: criteria provided, multiple submitters, no conflicts (2 of 4 stars). 3 submissions from 3 submitters: Uncertain significance (3). Last evaluated 2026-01-20.

Conditions:
Familial adenomatous polyposis 1 (FAP1). Also called: FAMILIAL ADENOMATOUS POLYPOSIS 1, ATTENUATED; POLYPOSIS, ADENOMATOUS INTESTINAL. Identifiers: MedGen C2713442, MONDO:0021056, OMIM 175100. Disease mechanism: loss of function.
Hereditary cancer-predisposing syndrome. Also called: Tumor predisposition; Hereditary Cancer Syndrome; Neoplastic Syndromes, Hereditary; Hereditary neoplastic syndrome. Identifiers: Orphanet 140162, MedGen C0027672, MeSH D009386, MONDO:0015356.

Submissions (3):

Ambry Genetics
Classification: Uncertain significance for Hereditary cancer-predisposing syndrome. Last evaluated: 2026-01-20. Review status: criteria provided, single submitter. Criteria: Ambry Variant Classification Scheme 2023. Collection method: clinical testing. Allele origin: germline.
Comment: The p.H929R variant (also known as c.2786A>G), located in coding exon 15 of the APC gene, results from an A to G substitution at nucleotide position 2786. The histidine at codon 929 is replaced by arginine, an amino acid with highly similar properties. This variant was reported in individual(s) with features consistent with APC-related familial adenomatous polyposis (Ambry internal data). This amino acid position is well conserved in available vertebrate species. In addition, in silico predictors for this gene do not accurately predict pathogenicity. Missense variants in APC are not a common cause of disease (Spier I et al. Genet Med. 2024 Feb;26(2):100992). Based on the available evidence, the clinical significance of this variant remains unclear.

Labcorp Genetics (formerly Invitae), Labcorp
Classification: Uncertain significance for Familial adenomatous polyposis 1. Last evaluated: 2025-02-25. Review status: criteria provided, single submitter. Criteria: Invitae Variant Classification Sherloc (09022015). Collection method: clinical testing. Allele origin: germline.
Comment: This sequence change replaces histidine, which is basic and polar, with arginine, which is basic and polar, at codon 929 of the APC protein (p.His929Arg). This variant is not present in population databases (gnomAD no frequency). This variant has not been reported in the literature in individuals affected with APC-related conditions. ClinVar contains an entry for this variant (Variation ID: 489429). Invitae Evidence Modeling of protein sequence and biophysical properties (such as structural, functional, and spatial information, amino acid conservation, physicochemical variation, residue mobility, and thermodynamic stability) indicates that this missense variant is not expected to disrupt APC protein function with a negative predictive value of 95%. In summary, the available evidence is currently insufficient to determine the role of this variant in disease. Therefore, it has been classified as a Variant of Uncertain Significance.

Color Diagnostics, LLC DBA Color Health
Classification: Uncertain significance for Hereditary cancer-predisposing syndrome. Last evaluated: 2023-12-05. Review status: criteria provided, single submitter. Criteria: ACMG Guidelines, 2015. Collection method: clinical testing. Allele origin: germline.
Comment: This missense variant replaces histidine with arginine at codon 929 of the APC protein. Computational prediction suggests that this variant may not impact protein structure and function (internally defined REVEL score threshold <= 0.5, PMID: 27666373). To our knowledge, functional studies have not been reported for this variant. This variant has not been reported in individuals affected with APC-related disorders in the literature. This variant has not been identified in the general population by the Genome Aggregation Database (gnomAD). The available evidence is insufficient to determine the role of this variant in disease conclusively. Therefore, this variant is classified as a Variant of Uncertain Significance.